The following is an entry in ClinVar:

ClinVar aggregate classification (germline): Benign/Likely benign. Review status: criteria provided, multiple submitters, no conflicts (2 of 4 stars). 3 submissions from 3 submitters: Benign (1); Likely benign (1). 1 of the submissions does not count toward it. Last evaluated 2024-04-03.

Conditions:
Familial adenomatous polyposis 1 (FAP1). Also called: FAMILIAL ADENOMATOUS POLYPOSIS 1, ATTENUATED; POLYPOSIS, ADENOMATOUS INTESTINAL. Identifiers: MedGen C2713442, MONDO:0021056, OMIM 175100. Disease mechanism: loss of function.
Carcinoma of colon (CRC). Also called: Colonic carcinoma; Colon carcinoma. Identifiers: MedGen C0699790, MONDO:0002032.
Hereditary cancer-predisposing syndrome. Also called: Hereditary Cancer Syndrome; Hereditary neoplastic syndrome; Tumor predisposition; Neoplastic Syndromes, Hereditary. Identifiers: Orphanet 140162, MedGen C0027672, MeSH D009386, MONDO:0015356.

Submissions (3):

Myriad Genetics, Inc.
Classification: Benign for Familial adenomatous polyposis 1. Last evaluated: 2024-04-03. Review status: criteria provided, single submitter. Criteria: Myriad Autosomal Dominant, Autosomal Recessive and X-Linked Classification Criteria (2023). Collection method: clinical testing. Allele origin: unknown.
Comment: This variant is considered benign. This variant is a silent/synonymous amino acid change and it is not expected to impact splicing.

Ambry Genetics
Classification: Likely benign for Hereditary cancer-predisposing syndrome. Last evaluated: 2022-10-12. Review status: criteria provided, single submitter. Criteria: Ambry Variant Classification Scheme 2023. Collection method: clinical testing. Allele origin: germline.

Department of Pathology and Laboratory Medicine, Sinai Health System
Classification: Likely benign for Carcinoma of colon. Review status: no assertion criteria provided. Collection method: clinical testing. Allele origin: unknown. Affected: yes. Study: The Canadian Open Genetics Repository (COGR). Not counted in ClinVar's aggregate classification.
Comment: The APC p.Ser2045Ser variant was not identified in the literature. The variant was identified in dbSNP (ID: rs 187297940) â€šÃ„ÃºWith likely benign alleleâ€šÃ„Ã¹, Clinvitae database (as likely benign), ClinVar database (classified as â€šÃ„Ãºlikely benignâ€šÃ„Ã¹ by Invitae) and the Exome Aggregation Consortium (ExAC) database (released Jan 13, 2015) in 8 of 66680 chromosomes (frequency: 0.00012) from a population of European (Non-Finnish) individuals as well as at extremely low frequencies in European (Finnish) (0.00015) and South Asian (0.00006) populations, although this low number of observations and low frequency is not substantive enough to determine the prevalence of the variant in the general population and its relationship to disease. The p.Ser2045Ser variant is not expected to have clinical significance because it does not result in a change of amino acid and is not located in a known consensus splice site. In summary, based on the above information, the clinical significance of this variant cannot be determined with certainty at this time although we would lean towards a more benign role for this variant. This variant is classified as likely benign.

NM_000038.6(APC):c.6081C>T (p.Leu2027=)

Gene: APC (APC regulator of Wnt signaling pathway; plus strand). Cytogenetic location: 5q22.2.
Variant type: single nucleotide variant.
Coding change: c.6081C>T on transcript NM_000038.6 (MANE Select); coding-DNA position 6081, C replaced by T.
Protein change: p.Leu2027=; no amino-acid change (leucine 2027 retained).
Molecular consequence: synonymous variant.
Genome position (GRCh38, 1-based): chr5:112,841,675, C>T. VCF-style: chr5-112841675-C-T. GRCh37 (hg19) VCF-style: chr5-112177372-C-T.
Other names: c.6081C>T, p.Leu2027= (NM_001127510.3, NM_001354895.2); c.6027C>T, p.Leu2009= (NM_001127511.3); c.6135C>T, p.Leu2045= (NM_001354896.2); c.6111C>T, p.Leu2037= (NM_001354897.2); c.6006C>T, p.Leu2002= (NM_001354898.2); c.5997C>T, p.Leu1999= (NM_001354899.2); c.5958C>T, p.Leu1986= (NM_001354900.2); c.5904C>T, p.Leu1968= (NM_001354901.2); and 5 more.
Identifiers: ClinVar variation 1050397 (VCV001050397.4), dbSNP rs1316220949, ClinGen allele CA446209020.